The following is an entry in ClinVar:

NM_005629.4(SLC6A8):c.742T>C (p.Phe248Leu)

Gene: SLC6A8 (solute carrier family 6 member 8; plus strand). Cytogenetic location: Xq28.
Variant type: single nucleotide variant.
Coding change: c.742T>C on transcript NM_005629.4 (MANE Select); coding-DNA position 742, T replaced by C.
Protein change: p.Phe248Leu; replaces phenylalanine 248 with leucine.
Molecular consequence: missense variant.
Genome position (GRCh38, 1-based): chrX:153,692,072, T>C. VCF-style: chrX-153692072-T-C. GRCh37 (hg19) VCF-style: chrX-152957527-T-C.
Other names: c.742T>C, p.Phe248Leu (NM_001142805.2); c.397T>C, p.Phe133Leu (NM_001142806.1); c.742T>C (NM_005629.3); short protein forms F133L, F248L.
Identifiers: ClinVar variation 2974409 (VCV002974409.5), dbSNP rs2091459025, ClinGen allele CA415080386.
Genomic context (GRCh38, chrX:153,692,072, plus strand): 5'-CCAGGGGCCCTCAACTGGGAGGTGACCCTTTGTCTGCTGGCCTGCTGGGTGCTGGTCTAC[T>C]TCTGTGTCTGGAAGGGGGTCAAATCCACGGGAAAGGTACCACTAGAGGCATGCAGCGGGG-3'
Protein context (NP_005620.1, residues 238-258): CLLACWVLVY[Phe248Leu]CVWKGVKSTG

ClinVar aggregate classification (germline): Uncertain significance. Review status: criteria provided, multiple submitters, no conflicts (2 of 4 stars). 2 submissions from 2 submitters: Uncertain significance (2). Last evaluated 2025-09-22.

Conditions:
Creatine transporter deficiency (CCDS1). Also called: Creatine Transporter (CRTR) Deficiency; Mental retardation , X-linked with seizures, short stature and midface hypoplasia; Mental retardation , X-linked, with creatine transport deficiency; X-linked creatine transporter deficiency; X-linked creatine deficiency syndrome; SLC6A8-Related Creatine Transporter Deficiency. Identifiers: Orphanet 52503, MedGen C1845862, MONDO:0010305, OMIM 300352.

Submissions (2):

GeneDx
Classification: Uncertain significance. Last evaluated: 2025-09-22. Review status: criteria provided, single submitter. Criteria: GeneDx Variant Classification Process June 2021. Collection method: clinical testing. Allele origin: germline.
Comment: Not observed at significant frequency in large population cohorts (gnomAD); In silico analysis supports that this missense variant has a deleterious effect on protein structure/function; Has not been previously published as pathogenic or benign to our knowledge

Labcorp Genetics (formerly Invitae), Labcorp
Classification: Uncertain significance for Creatine transporter deficiency. Last evaluated: 2023-03-19. Review status: criteria provided, single submitter. Criteria: Invitae Variant Classification Sherloc (09022015). Collection method: clinical testing. Allele origin: germline.
Comment: This sequence change replaces phenylalanine, which is neutral and non-polar, with leucine, which is neutral and non-polar, at codon 248 of the SLC6A8 protein (p.Phe248Leu). This variant is not present in population databases (gnomAD no frequency). This variant has not been reported in the literature in individuals affected with SLC6A8-related conditions. Advanced modeling of protein sequence and biophysical properties (such as structural, functional, and spatial information, amino acid conservation, physicochemical variation, residue mobility, and thermodynamic stability) performed at Invitae indicates that this missense variant is not expected to disrupt SLC6A8 protein function. In summary, the available evidence is currently insufficient to determine the role of this variant in disease. Therefore, it has been classified as a Variant of Uncertain Significance.